The following is an entry in ClinVar:

ClinVar aggregate classification (germline): Uncertain significance (1 of 4 stars; one submission).

Conditions:
Hereditary spastic paraplegia 11. Also called: Nakamura Osame syndrome; Autosomal recessive hereditary spastic paraplegia, mental impairment, and thin corpus callosum; Spastic paraplegia, mental retardation and thin corpus callosum; SPASTIC PARAPLEGIA, AUTOSOMAL RECESSIVE, COMPLICATED, WITH THIN CORPUS CALLOSUM; SPASTIC PARAPLEGIA, AUTOSOMAL RECESSIVE, WITH MENTAL IMPAIRMENT AND THIN CORPUS CALLOSUM; Spastic Paraplegia 11. Identifiers: Orphanet 2822, MedGen C1858479, MONDO:0011445, OMIM 604360.

Allele frequency attached by ClinVar (database versions not stated): gnomAD exomes below 0.00001.
gnomAD v4.1: 1 of 1,612,456 alleles (0.000062%); highest among the groups gnomAD compares: Non-Finnish European, 0.000085%; no homozygotes.

Submission:

Labcorp Genetics (formerly Invitae), Labcorp
Classification: Uncertain significance for Hereditary spastic paraplegia 11. Last evaluated: 2020-08-16. Review status: criteria provided, single submitter. Criteria: Invitae Variant Classification Sherloc (09022015). Collection method: clinical testing. Allele origin: germline.
Comment: In summary, the available evidence is currently insufficient to determine the role of this variant in disease. Therefore, it has been classified as a Variant of Uncertain Significance. Nucleotide substitutions within the consensus splice site are a relatively common cause of aberrant splicing (PMID: 17576681, 9536098). Algorithms developed to predict the effect of sequence changes on RNA splicing suggest that this variant may disrupt the consensus splice site, but this prediction has not been confirmed by published transcriptional studies. This variant has not been reported in the literature in individuals with SPG11-related conditions. This variant is not present in population databases (ExAC no frequency). This sequence change falls in intron 10 of the SPG11 gene. It does not directly change the encoded amino acid sequence of the SPG11 protein, but it affects a nucleotide within the consensus splice site of the intron.

Literature cited by the submitters: PubMed 17576681; PubMed 9536098.

NM_025137.4(SPG11):c.2067+5G>A

Gene: SPG11 (SPG11 vesicle trafficking associated, spatacsin; minus strand). Cytogenetic location: 15q21.1.
Variant type: single nucleotide variant.
Coding change: c.2067+5G>A on transcript NM_025137.4 (MANE Select); 5 bases into the intron after coding-DNA position 2067, G replaced by A.
Molecular consequence: intron variant.
Genome position (GRCh38, 1-based): chr15:44,628,664, C>T on the plus strand (G>A on the coding strand, the complement: SPG11 is on the minus strand). VCF-style: chr15-44628664-C-T. GRCh37 (hg19) VCF-style: chr15-44920862-C-T.
Other names: c.2067+5G>A (NM_001160227.2).
Identifiers: ClinVar variation 1061862 (VCV001061862.7), dbSNP rs2141043201, ClinGen allele CA2499222950.